The following is an entry in ClinVar:

ClinVar aggregate classification (germline): Uncertain significance. Review status: criteria provided, multiple submitters, no conflicts (2 of 4 stars). 2 submissions from 2 submitters: Uncertain significance (2). Last evaluated 2025-05-27.

Conditions:
Inborn genetic diseases. Identifiers: MedGen C0950123, MeSH D030342.
Sulfite oxidase deficiency due to molybdenum cofactor deficiency type C. Also called: Molybdenum cofactor deficiency C; Molybdenum cofactor deficiency, complementation group C. Identifiers: Orphanet 308400, Orphanet 833, MedGen C1854990, MONDO:0014212, OMIM 615501.

gnomAD v4.1: 2 of 1,612,848 alleles (0.00012%); highest among the groups gnomAD compares: Admixed American, 0.0017%; no homozygotes.

Submissions (2):

Labcorp Genetics (formerly Invitae), Labcorp
Classification: Uncertain significance for Sulfite oxidase deficiency due to molybdenum cofactor deficiency type C. Last evaluated: 2025-05-27. Review status: criteria provided, single submitter. Criteria: Invitae Variant Classification Sherloc (09022015). Collection method: clinical testing. Allele origin: germline.
Comment: This sequence change replaces isoleucine, which is neutral and non-polar, with threonine, which is neutral and polar, at codon 173 of the GPHN protein (p.Ile173Thr). This variant is present in population databases (no rsID available, gnomAD 0.003%). This variant has not been reported in the literature in individuals affected with GPHN-related conditions. ClinVar contains an entry for this variant (Variation ID: 2226784). Invitae Evidence Modeling of protein sequence and biophysical properties (such as structural, functional, and spatial information, amino acid conservation, physicochemical variation, residue mobility, and thermodynamic stability) indicates that this missense variant is not expected to disrupt GPHN protein function with a negative predictive value of 80%. In summary, the available evidence is currently insufficient to determine the role of this variant in disease. Therefore, it has been classified as a Variant of Uncertain Significance.

Ambry Genetics
Classification: Uncertain significance for Inborn genetic diseases. Last evaluated: 2021-08-03. Review status: criteria provided, single submitter. Criteria: Ambry Variant Classification Scheme 2023. Collection method: clinical testing. Allele origin: germline.

NM_020806.5(GPHN):c.518T>C (p.Ile173Thr)

Gene: GPHN (gephyrin; plus strand). Cytogenetic location: 14q23.3.
Variant type: single nucleotide variant.
Coding change: c.518T>C on transcript NM_020806.5 (MANE Select); coding-DNA position 518, T replaced by C.
Protein change: p.Ile173Thr; replaces isoleucine 173 with threonine.
Molecular consequence: missense variant.
Genome position (GRCh38, 1-based): chr14:66,922,727, T>C. VCF-style: chr14-66922727-T-C. GRCh37 (hg19) VCF-style: chr14-67389444-T-C.
Other names: c.518T>C, p.Ile173Thr (NM_001024218.2, NM_001377515.1, NM_001377516.1 and 2 more transcripts); c.557T>C, p.Ile186Thr (NM_001377514.1, NM_001377519.1); short protein forms I186T, I173T.
Identifiers: ClinVar variation 2226784 (VCV002226784.5), dbSNP rs1185985395, ClinGen allele CA390256119.